The following is an entry in ClinVar:

ClinVar aggregate classification (germline): Uncertain significance. Review status: criteria provided, multiple submitters, no conflicts (2 of 4 stars). 2 submissions from 2 submitters: Uncertain significance (2). Last evaluated 2024-02-24.

Conditions:
Inborn genetic diseases. Identifiers: MedGen C0950123, MeSH D030342.
Kufor-Rakeb syndrome (KRS). Also called: PARKINSON DISEASE 9, AUTOSOMAL RECESSIVE, JUVENILE-ONSET. Identifiers: Orphanet 306674, Orphanet 314632, MedGen C1847640, MONDO:0011706, OMIM 606693.
Autosomal recessive spastic paraplegia type 78. Identifiers: Orphanet 513436, MedGen C5567893, MONDO:0014975, OMIM 617225.

Allele frequency attached by ClinVar (database versions not stated): gnomAD exomes below 0.00001; gnomAD 0.00001; TOPMed 0.00001.
gnomAD v4.1: 2 of 1,613,098 alleles (0.00012%); highest among the groups gnomAD compares: Non-Finnish European, 0.00017%; no homozygotes.

Submissions (2):

Labcorp Genetics (formerly Invitae), Labcorp
Classification: Uncertain significance for Kufor-Rakeb syndrome; Autosomal recessive spastic paraplegia type 78. Last evaluated: 2024-02-24. Review status: criteria provided, single submitter. Criteria: Invitae Variant Classification Sherloc (09022015). Collection method: clinical testing. Allele origin: germline.
Comment: This sequence change replaces aspartic acid, which is acidic and polar, with glycine, which is neutral and non-polar, at codon 672 of the ATP13A2 protein (p.Asp672Gly). This variant is not present in population databases (gnomAD no frequency). This variant has not been reported in the literature in individuals affected with ATP13A2-related conditions. ClinVar contains an entry for this variant (Variation ID: 1358171). Advanced modeling of protein sequence and biophysical properties (such as structural, functional, and spatial information, amino acid conservation, physicochemical variation, residue mobility, and thermodynamic stability) performed at Invitae indicates that this missense variant is not expected to disrupt ATP13A2 protein function with a negative predictive value of 80%. In summary, the available evidence is currently insufficient to determine the role of this variant in disease. Therefore, it has been classified as a Variant of Uncertain Significance.

Ambry Genetics
Classification: Uncertain significance for Inborn genetic diseases. Last evaluated: 2023-12-20. Review status: criteria provided, single submitter. Criteria: Ambry Variant Classification Scheme 2023. Collection method: clinical testing. Allele origin: germline.

NM_022089.4(ATP13A2):c.2015A>G (p.Asp672Gly)

Gene: ATP13A2 (ATPase cation transporting 13A2; minus strand). Cytogenetic location: 1p36.13.
Variant type: single nucleotide variant.
Coding change: c.2015A>G on transcript NM_022089.4 (MANE Select); coding-DNA position 2015, A replaced by G.
Protein change: p.Asp672Gly; replaces aspartic acid 672 with glycine.
Molecular consequence: missense variant.
Genome position (GRCh38, 1-based): chr1:16,992,120, T>C on the plus strand (A>G on the coding strand, the complement: ATP13A2 is on the minus strand). VCF-style: chr1-16992120-T-C. GRCh37 (hg19) VCF-style: chr1-17318615-T-C.
Other names: c.2000A>G, p.Asp667Gly (NM_001141973.3, NM_001141974.3); c.2015A>G (NM_022089.2); short protein forms D672G, D667G.
Identifiers: ClinVar variation 1358171 (VCV001358171.9), dbSNP rs981910553, ClinGen allele CA18632949.